The following is an entry in ClinVar:

ClinVar aggregate classification (germline): Conflicting classifications of pathogenicity. Review status: criteria provided, conflicting classifications (1 of 4 stars). 8 submissions from 6 submitters: Uncertain significance (5); Likely benign (2). 1 of the submissions does not count toward it. Last evaluated 2023-02-08.

Conditions:
Familial Mediterranean fever (FMF). Also called: POLYSEROSITIS, FAMILIAL PAROXYSMAL; POLYSEROSITIS, RECURRENT; Periodic peritonitis; Benign paroxysmal peritonitis. Identifiers: Orphanet 342, MedGen C0031069, MONDO:0018088, OMIM 249100. Disease mechanism: gain of function.
Acute febrile neutrophilic dermatosis (AFND). Also called: Sweet Syndrome; Gomm Button disease. Identifiers: Orphanet 3243, MedGen C0085077, MONDO:0011959, OMIM 608068.
Familial Mediterranean fever, autosomal dominant. Also called: FMF, AUTOSOMAL DOMINANT; Dominant Familial Mediterranean Fever. Identifiers: Orphanet 342, MedGen C1851347, MONDO:0007601, OMIM 134610.

Allele frequency attached by ClinVar (database versions not stated): 1000 Genomes Project 30x 0.00016.

Submissions (8):

Genome-Nilou Lab
Classification: Uncertain significance for Familial Mediterranean fever. Last evaluated: 2023-02-08. Review status: criteria provided, single submitter. Criteria: ACMG Guidelines, 2015. Collection method: clinical testing. Allele origin: germline.

Genome-Nilou Lab
Classification: Likely benign for Familial Mediterranean fever, autosomal dominant. Last evaluated: 2023-02-08. Review status: criteria provided, single submitter. Criteria: ACMG Guidelines, 2015. Collection method: clinical testing. Allele origin: germline.

Genome-Nilou Lab
Classification: Likely benign for Acute febrile neutrophilic dermatosis. Last evaluated: 2023-02-08. Review status: criteria provided, single submitter. Criteria: ACMG Guidelines, 2015. Collection method: clinical testing. Allele origin: germline.

Labcorp Genetics (formerly Invitae), Labcorp
Classification: Uncertain significance for Familial Mediterranean fever. Last evaluated: 2022-09-27. Review status: criteria provided, single submitter. Criteria: Invitae Variant Classification Sherloc (09022015). Collection method: clinical testing. Allele origin: germline.
Comment: This sequence change replaces proline, which is neutral and non-polar, with threonine, which is neutral and polar, at codon 369 of the MEFV protein (p.Pro369Thr). This variant is present in population databases (rs11466023, gnomAD 0.03%). This variant has not been reported in the literature in individuals affected with MEFV-related conditions. ClinVar contains an entry for this variant (Variation ID: 888171). Algorithms developed to predict the effect of missense changes on protein structure and function are either unavailable or do not agree on the potential impact of this missense change (SIFT: "Tolerated"; PolyPhen-2: "Probably Damaging"; Align-GVGD: "Class C0"). In summary, the available evidence is currently insufficient to determine the role of this variant in disease. Therefore, it has been classified as a Variant of Uncertain Significance.

Fulgent Genetics
Classification: Uncertain significance for Familial Mediterranean fever, autosomal dominant; Familial Mediterranean fever; Acute febrile neutrophilic dermatosis. Last evaluated: 2021-11-10. Review status: criteria provided, single submitter. Criteria: ACMG Guidelines, 2015. Collection method: clinical testing. Allele origin: unknown.

Women's Health and Genetics/Laboratory Corporation of America, LabCorp
Classification: Uncertain significance. Last evaluated: 2020-01-19. Review status: criteria provided, single submitter. Criteria: LabCorp Variant Classification Summary - May 2015. Collection method: clinical testing. Allele origin: germline.
Comment: Variant summary: MEFV c.1105C>A (p.Pro369Thr) results in a non-conservative amino acid change in the encoded protein sequence. Three of five in-silico tools predict a benign effect of the variant on protein function. The variant allele was found at a frequency of 4e-05 in 250836 control chromosomes. This frequency is not significantly higher than expected for a pathogenic variant in MEFV causing Familial Mediterranean Fever (4e-05 vs 0.022), allowing no conclusion about variant significance. To our knowledge, no occurrence of c.1105C>A in individuals affected with Familial Mediterranean Fever and no experimental evidence demonstrating its impact on protein function have been reported. No clinical diagnostic laboratories have submitted clinical-significance assessments for this variant to ClinVar after 2014. Based on the evidence outlined above, the variant was classified as uncertain significance.

Illumina Laboratory Services, Illumina
Classification: Uncertain significance for Familial Mediterranean fever. Last evaluated: 2017-04-28. Review status: criteria provided, single submitter. Criteria: ICSL Variant Classification Criteria 13 December 2019. Collection method: clinical testing. Allele origin: germline.

Natera, Inc.
Classification: Uncertain significance for Familial Mediterranean fever. Last evaluated: 2020-02-21. Review status: no assertion criteria provided. Collection method: clinical testing. Allele origin: germline. Not counted in ClinVar's aggregate classification.

NM_000243.3(MEFV):c.1105C>A (p.Pro369Thr)

Gene: MEFV (MEFV innate immunity regulator, pyrin; minus strand). Cytogenetic location: 16p13.3.
Variant type: single nucleotide variant.
Coding change: c.1105C>A on transcript NM_000243.3 (MANE Select); coding-DNA position 1105, C replaced by A.
Protein change: p.Pro369Thr; replaces proline 369 with threonine.
Molecular consequence: missense variant.
Genome position (GRCh38, 1-based): chr16:3,249,586, G>T on the plus strand (C>A on the coding strand, the complement: MEFV is on the minus strand). VCF-style: chr16-3249586-G-T. GRCh37 (hg19) VCF-style: chr16-3299586-G-T.
Other names: c.472C>A, p.Pro158Thr (NM_001198536.2); short protein forms P369T, P158T.
Identifiers: ClinVar variation 888171 (VCV000888171.13), dbSNP rs11466023, ClinGen allele CA7860232.